The following is an entry in ClinVar:

ClinVar aggregate classification (germline): Uncertain significance (1 of 4 stars; one submission).

Conditions:
Cystic fibrosis (CF). Also called: MUCOVISCIDOSIS. Identifiers: Orphanet 586, MedGen C0010674, MONDO:0009061, OMIM 219700. Disease mechanism: loss of function.

Submission:

Ambry Genetics
Classification: Uncertain significance for Cystic fibrosis. Last evaluated: 2022-10-24. Review status: criteria provided, single submitter. Criteria: Ambry Variant Classification Scheme 2023. Collection method: clinical testing. Allele origin: germline.
Comment: The p.V1421L variant (also known as c.4261G>C), located in coding exon 27 of the CFTR gene, results from a G to C substitution at nucleotide position 4261. The valine at codon 1421 is replaced by leucine, an amino acid with highly similar properties. This amino acid position is not well conserved in available vertebrate species. In addition, the in silico prediction for this alteration is inconclusive. Since supporting evidence is limited at this time, the clinical significance of this alteration remains unclear.

NM_000492.4(CFTR):c.4261G>C (p.Val1421Leu)

Genes: CFTR (CF transmembrane conductance regulator; plus strand), LOC111674477 (CFTR intron 23 enhancer; plus strand). Cytogenetic location: 7q31.2.
Variant type: single nucleotide variant.
Coding change: c.4261G>C on transcript NM_000492.4 (MANE Select); coding-DNA position 4261, G replaced by C.
Protein change: p.Val1421Leu; replaces valine 1421 with leucine.
Molecular consequence: missense variant.
Genome position (GRCh38, 1-based): chr7:117,666,926, G>C. VCF-style: chr7-117666926-G-C. GRCh37 (hg19) VCF-style: chr7-117306980-G-C.
Other names: short protein forms V1421L.
Identifiers: ClinVar variation 1739177 (VCV001739177.2), dbSNP rs578237673, ClinGen allele CA368984449.